The following is an entry in ClinVar:

ClinVar aggregate classification (germline): Likely pathogenic (1 of 4 stars; one submission).

Conditions:
BDV syndrome. Also called: INTELLECTUAL DEVELOPMENTAL DISORDER AND HYPOGONADOTROPIC HYPOGONADISM; BLAKEMORE-DURMAZ-VASILEIOU SYNDROME; CPE-related Prader-Willi-like syndrome. Identifiers: Orphanet 633028, MedGen C5543403, MONDO:0859150, OMIM 619326.

Submission:

Diagnostics Services (NGS), CSIR - Centre For Cellular And Molecular Biology
Classification: Likely pathogenic for BDV syndrome. Last evaluated: 2024-09-03. Review status: criteria provided, single submitter. Criteria: ACMG Guidelines, 2015. Collection method: clinical testing. Allele origin: germline. Affected: yes. Observed: 1 variant allele, 1 homozygote.
Comment: The c.1208dup variant is not present in publicly available population databases like 1000 Genomes, EVS, gnomAD, ExAC, Indian Exome Database or our in-house exome database. This variant has neither been published in individuals affected with CPE-related conditions nor reported to the clinical databases like Human Genome Mutation Database (HGMD), ClinVar or OMIM, in any affected individuals. In-silico pathogenicity prediction programs like S MutationTaster2, CADD, Varsome, Franklin etc predicted this variant to be likely deleterious. This variant causes frameshift at the 404th amino acid position of the wild-type transcript which creates a premature translational stop-signal at the altered transcript that may either result in translation of a truncated protein or cause nonsense mediated decay of the mRNA.

NM_001873.4(CPE):c.1208dup (p.Ser404fs)

Gene: CPE (carboxypeptidase E; plus strand). Cytogenetic location: 4q32.3.
Variant type: Duplication.
Coding change: c.1208dup on transcript NM_001873.4 (MANE Select); coding-DNA position 1208, one base duplicated (C; older notation c.1208dupC).
Protein change: p.Ser404fs; shifts the reading frame from serine 404.
Molecular consequence: frameshift variant.
Genome position (GRCh38, 1-based): chr4:165,493,265, C duplicated. VCF-style (leftmost placement, unchanged base first): chr4-165493264-A-AC. GRCh37 (hg19) VCF-style: chr4-166414416-A-AC.
Other names: short protein forms S404fs.
Identifiers: ClinVar variation 3340503 (VCV003340503.1).
Genomic context (GRCh38, chr4:165,493,264, plus strand): 5'-CTTCAAGGTAACCCAATTGCGAATGCCACCATCTCCGTGGAAGGAATAGACCACGATGTT[A>AC]CATCCGGTGGGTCTTTGCCACAATTGGAGGCTCTACGTTATGTACAAGAGCATAATTACT-3'